The following is an entry in ClinVar:

NM_001903.5(CTNNA1):c.722G>A (p.Arg241Lys)

Gene: CTNNA1 (catenin alpha 1; plus strand). Cytogenetic location: 5q31.2.
Variant type: single nucleotide variant.
Coding change: c.722G>A on transcript NM_001903.5 (MANE Select); coding-DNA position 722, G replaced by A.
Protein change: p.Arg241Lys; replaces arginine 241 with lysine.
Molecular consequence: missense variant.
Genome position (GRCh38, 1-based): chr5:138,824,663, G>A. VCF-style: chr5-138824663-G-A. GRCh37 (hg19) VCF-style: chr5-138160352-G-A.
Other names: c.722G>A, p.Arg241Lys (NM_001290307.3, NM_001323982.2, NM_001323983.1 and 3 more transcripts); c.413G>A, p.Arg138Lys (NM_001290309.3); c.353G>A, p.Arg118Lys (NM_001290310.3); short protein forms R118K, R138K, R241K.
Identifiers: ClinVar variation 1018439 (VCV001018439.11), dbSNP rs1760458725, ClinGen allele CA361129845.

ClinVar aggregate classification (germline): Uncertain significance. Review status: criteria provided, multiple submitters, no conflicts (2 of 4 stars). 2 submissions from 2 submitters: Uncertain significance (2). Last evaluated 2020-10-20.

Conditions:
Hereditary cancer-predisposing syndrome. Also called: Tumor predisposition; Neoplastic Syndromes, Hereditary; Hereditary neoplastic syndrome; Hereditary Cancer Syndrome. Identifiers: Orphanet 140162, MedGen C0027672, MeSH D009386, MONDO:0015356.

Allele frequency attached by ClinVar (database versions not stated): gnomAD exomes below 0.00001.

Submissions (2):

Labcorp Genetics (formerly Invitae), Labcorp
Classification: Uncertain significance. Last evaluated: 2020-10-20. Review status: criteria provided, single submitter. Criteria: Invitae Variant Classification Sherloc (09022015). Collection method: clinical testing. Allele origin: germline.
Comment: Algorithms developed to predict the effect of missense changes on protein structure and function are either unavailable or do not agree on the potential impact of this missense change (SIFT: "Deleterious"; PolyPhen-2: "Possibly Damaging"; Align-GVGD: "Class C0"). This variant has not been reported in the literature in individuals with CTNNA1-related conditions. This variant is not present in population databases (ExAC no frequency). This sequence change replaces arginine with lysine at codon 241 of the CTNNA1 protein (p.Arg241Lys). The arginine residue is highly conserved and there is a small physicochemical difference between arginine and lysine. In summary, the available evidence is currently insufficient to determine the role of this variant in disease. Therefore, it has been classified as a Variant of Uncertain Significance.

Ambry Genetics
Classification: Uncertain significance for Hereditary cancer-predisposing syndrome. Last evaluated: 2020-03-02. Review status: criteria provided, single submitter. Criteria: Ambry Variant Classification Scheme 2023. Collection method: clinical testing. Allele origin: germline.
Comment: The p.R241K variant (also known as c.722G>A), located in coding exon 5 of the CTNNA1 gene, results from a G to A substitution at nucleotide position 722. The arginine at codon 241 is replaced by lysine, an amino acid with highly similar properties. This amino acid position is highly conserved in available vertebrate species. In addition, this alteration is predicted to be deleterious by in silico analysis. Since supporting evidence is limited at this time, the clinical significance of this alteration remains unclear.